The following is an entry in ClinVar:

ClinVar aggregate classification (germline): Uncertain significance. Review status: criteria provided, multiple submitters, no conflicts (2 of 4 stars). 2 submissions from 2 submitters: Uncertain significance (2). Last evaluated 2025-05-01.

Submissions (2):

CeGaT Center for Human Genetics Tuebingen
Classification: Uncertain significance. Last evaluated: 2025-05-01. Review status: criteria provided, single submitter. Criteria: CeGaT Center For Human Genetics Tuebingen Variant Classification Criteria Version 2. Collection method: clinical testing. Allele origin: germline. Affected: yes. Observed: 1 variant allele.
Comment: FLNA: PM2

GeneDx
Classification: Uncertain significance. Last evaluated: 2025-02-05. Review status: criteria provided, single submitter. Criteria: GeneDx Variant Classification Process June 2021. Collection method: clinical testing. Allele origin: germline. Affected: yes.
Comment: Not observed at significant frequency in large population cohorts (gnomAD); In silico analysis supports that this missense variant has a deleterious effect on protein structure/function; Has not been previously published as pathogenic or benign to our knowledge

NM_001110556.2(FLNA):c.2125G>T (p.Val709Phe)

Gene: FLNA (filamin A; minus strand). Cytogenetic location: Xq28.
Variant type: single nucleotide variant.
Coding change: c.2125G>T on transcript NM_001110556.2 (MANE Select); coding-DNA position 2125, G replaced by T.
Protein change: p.Val709Phe; replaces valine 709 with phenylalanine.
Molecular consequence: missense variant.
Genome position (GRCh38, 1-based): chrX:154,364,270, C>A on the plus strand (G>T on the coding strand, the complement: FLNA is on the minus strand). VCF-style: chrX-154364270-C-A. GRCh37 (hg19) VCF-style: chrX-153592638-C-A.
Other names: c.2125G>T, p.Val709Phe (NM_001456.4); c.2125G>T (NM_001456.3); short protein forms V709F.
Identifiers: ClinVar variation 3905520 (VCV003905520.11).